The following is an entry in ClinVar:

NM_000169.3(GLA):c.335G>T (p.Arg112Leu)

Genes: GLA (galactosidase alpha; minus strand), RPL36A-HNRNPH2 (RPL36A-HNRNPH2 readthrough; plus strand). Cytogenetic location: Xq22.1.
Variant type: single nucleotide variant.
Coding change: c.335G>T on transcript NM_000169.3 (MANE Select); coding-DNA position 335, G replaced by T.
Protein change: p.Arg112Leu; replaces arginine 112 with leucine.
Molecular consequence: missense variant. On other transcripts: non-coding transcript variant (3), intron variant (2).
Genome position (GRCh38, 1-based): chrX:101,403,845, C>A on the plus strand (G>T on the coding strand, the complement: GLA is on the minus strand). VCF-style: chrX-101403845-C-A. GRCh37 (hg19) VCF-style: chrX-100658833-C-A.
Other names: c.458G>T, p.Arg153Leu (NM_001406747.1, NM_001406749.1); c.335G>T, p.Arg112Leu (NM_001406748.1); c.301-8091C>A (NM_001199973.2); c.178-8091C>A (NM_001199974.2); short protein forms R153L.
Identifiers: ClinVar variation 92551 (VCV000092551.10), dbSNP rs372966991, ClinGen allele CA021652.

ClinVar aggregate classification (germline): Pathogenic/Likely pathogenic. Review status: criteria provided, multiple submitters, no conflicts (2 of 4 stars). 4 submissions from 4 submitters: Pathogenic (1); Likely pathogenic (3). Last evaluated 2026-09-08.

Conditions:
Cardiovascular phenotype. Identifiers: MedGen CN230736.
Fabry disease. Also called: Ceramide trihexosidosis; Fabry's disease; HEREDITARY DYSTOPIC LIPIDOSIS; Angiokeratoma corporis diffusum; ALPHA-GALACTOSIDASE A DEFICIENCY; ANDERSON-FABRY DISEASE. Identifiers: Orphanet 324, MedGen C0002986, MONDO:0010526, OMIM 301500, HP:0001071. Disease mechanism: Fabry disease is due to inactivating mutations in the X-linked GLA gene resulting in deficiency of the enzyme Alpha Galactosidase-A., loss of function.

Submissions (4):

Genomenon, Inc
Classification: Likely pathogenic for Fabry disease. Last evaluated: 2026-09-08. Review status: criteria provided, single submitter. Criteria: Genomenon Sequence Variant Interpretation Standards - Updated. Collection method: curation. Allele origin: germline. Affected: yes.
Comment: GLA p.Arg112Leu (c.335G>T) is a missense variant that changes the amino acid at codon 112 from Arginine to Leucine. This variant has been observed in at least one proband with clinical features consistent with Fabry disease (PMID:38940325;27554049). Functional or patient cell studies have been reported (PMID:27554049). The presence of pathogenic/likely pathogenic missense variant(s) at the same amino acid position indicates that this residue is likely important for protein function. It is absent or not present at a significant frequency in gnomAD. In silico models predict that this variant is possibly or probably damaging. In conclusion, we classify GLA p.Arg112Leu (c.335G>T) as a likely pathogenic variant.

Molecular Diagnostic Laboratory for Inherited Cardiovascular Disease, Montreal Heart Institute
Classification: Likely pathogenic for Cardiovascular phenotype. Last evaluated: 2025-02-12. Review status: criteria provided, single submitter. Criteria: ACMG Guidelines, 2015. Collection method: clinical testing. Allele origin: germline. Affected: yes.
Comment: PM2, PM5, PS4_supp, PP2, PP3, PP4

Labcorp Genetics (formerly Invitae), Labcorp
Classification: Pathogenic for Fabry disease. Last evaluated: 2024-05-21. Review status: criteria provided, single submitter. Criteria: Invitae Variant Classification Sherloc (09022015). Collection method: clinical testing. Allele origin: germline.
Comment: This sequence change replaces arginine, which is basic and polar, with leucine, which is neutral and non-polar, at codon 112 of the GLA protein (p.Arg112Leu). This variant is not present in population databases (gnomAD no frequency). This missense change has been observed in individual(s) with Fabry disease (PMID: 27554049, 28337063). ClinVar contains an entry for this variant (Variation ID: 92551). Advanced modeling of protein sequence and biophysical properties (such as structural, functional, and spatial information, amino acid conservation, physicochemical variation, residue mobility, and thermodynamic stability) performed at Invitae indicates that this missense variant is expected to disrupt GLA protein function with a positive predictive value of 80%. This variant disrupts the p.Arg112 amino acid residue in GLA. Other variant(s) that disrupt this residue have been determined to be pathogenic (PMID: 7531540, 17532296, 18205205, 25026990, 25040344). This suggests that this residue is clinically significant, and that variants that disrupt this residue are likely to be disease-causing. For these reasons, this variant has been classified as Pathogenic.

Eurofins Ntd Llc (ga)
Classification: Likely pathogenic. Last evaluated: 2012-12-26. Review status: criteria provided, single submitter. Criteria: EGL Classification Definitions 2015. Collection method: clinical testing. Allele origin: germline. Observed: 3 variant alleles, 3 hemizygotes.

Literature cited by the submitters: PubMed 38940325 (cited by Genomenon, Inc); PubMed 27554049 (cited by Genomenon, Inc and Labcorp Genetics (formerly Invitae), Labcorp); PubMed 28337063 (cited by Labcorp Genetics (formerly Invitae), Labcorp); PubMed 7531540 (cited by Labcorp Genetics (formerly Invitae), Labcorp); PubMed 17532296 (cited by Labcorp Genetics (formerly Invitae), Labcorp); PubMed 18205205 (cited by Labcorp Genetics (formerly Invitae), Labcorp); PubMed 25026990 (cited by Labcorp Genetics (formerly Invitae), Labcorp); PubMed 25040344 (cited by Labcorp Genetics (formerly Invitae), Labcorp).